The following is an entry in ClinVar:

NM_005188.4(CBL):c.189G>A (p.Met63Ile)

Genes: CBL (Cbl proto-oncogene; plus strand), LOC130006895 (ATAC-STARR-seq lymphoblastoid silent region 3975; plus strand). Cytogenetic location: 11q23.3.
Variant type: single nucleotide variant.
Coding change: c.189G>A on transcript NM_005188.4 (MANE Select); coding-DNA position 189, G replaced by A.
Protein change: p.Met63Ile; replaces methionine 63 with isoleucine.
Molecular consequence: missense variant.
Genome position (GRCh38, 1-based): chr11:119,206,606, G>A. VCF-style: chr11-119206606-G-A. GRCh37 (hg19) VCF-style: chr11-119077316-G-A.
Other names: short protein forms M63I.
Identifiers: ClinVar variation 3376469 (VCV003376469.1).

ClinVar aggregate classification (germline): Uncertain significance (1 of 4 stars; one submission).

Conditions:
CBL-related disorder. Also called: CBL MUTATION-ASSOCIATED SYNDROME; CBL SYNDROME; NOONAN SYNDROME-LIKE DISORDER WITHOUT JUVENILE MYELOMONOCYTIC LEUKEMIA. Identifiers: Orphanet 363972, MedGen C3150803, MONDO:0013308, OMIM 613563.

Submission:

Pittsburgh Clinical Genomics Laboratory, University of Pittsburgh Medical Center
Classification: Uncertain significance for CBL-related disorder. Last evaluated: 2024-06-28. Review status: criteria provided, single submitter. Criteria: ACMG Guidelines, 2015. Collection method: clinical testing. Allele origin: germline. Inheritance: Autosomal dominant inheritance. Affected: yes.
Comment: This sequence variant is a single nucleotide substitution (G>A) at position 189 of the coding sequence of the CBL gene that results in a methionine to isoleucine amino acid change at residue 63 of the Cbl proto-oncogene protein. This residue falls in the Cbl-type phosphotyrosine-binding domain of the protein (UniProt). This novel, de novo variant is absent from ClinVar, publications, and the gnomAD v4.1.0 population database (0/~1547000 alleles). Multiple bioinformatic tools provide conflicting predictions concerning this amino acid change, and the Met63 residue at this position is highly conserved across the vertebrate species examined. Studies examining the functional consequence of this variant have not been performed, to our knowledge. At this time, there is insufficient evidence to determine if this variant is pathogenic or benign. Therefore, we consider this a variant of uncertain significance. ACMG Criteria: BP5, PM2, PS2